The following is an entry in ClinVar:

ClinVar aggregate classification (germline): Likely benign (0 of 4 stars; one submission).

Conditions:
RAD1-related disorder. Also called: RAD1-related condition.

Allele frequency attached by ClinVar (database versions not stated): TOPMed 0.00042; gnomAD 0.00048; ESP Exome Variant Server 0.00054; gnomAD exomes 0.00062; ExAC 0.00101.
gnomAD v4.1: 922 of 1,537,408 alleles (0.06%); highest among the groups gnomAD compares: Non-Finnish European, 0.076%; no homozygotes.

Submission:

PreventionGenetics, part of Exact Sciences
Classification: Likely benign for RAD1-related condition. Last evaluated: 2022-05-25. Review status: no assertion criteria provided. Collection method: clinical testing. Allele origin: germline.
Comment: This variant is classified as likely benign based on ACMG/AMP sequence variant interpretation guidelines (Richards et al. 2015 PMID: 25741868, with internal and published modifications).

NM_002853.4(RAD1):c.199-4A>G

Genes: RAD1 (RAD1 checkpoint DNA exonuclease; minus strand), TTC23L (tetratricopeptide repeat domain 23 like; plus strand). Cytogenetic location: 5p13.2.
Variant type: single nucleotide variant.
Coding change: c.199-4A>G on transcript NM_002853.4 (MANE Select); 4 bases into the intron before coding-DNA position 199, A replaced by G.
Molecular consequence: intron variant.
Genome position (GRCh38, 1-based): chr5:34,913,582, T>C on the plus strand (A>G on the coding strand, the complement: RAD1 is on the minus strand). VCF-style: chr5-34913582-T-C. GRCh37 (hg19) VCF-style: chr5-34913687-T-C.
Identifiers: ClinVar variation 3053113 (VCV003053113.2), dbSNP rs200798685, ClinGen allele CA3227881.